The following is an entry in ClinVar:

ClinVar aggregate classification (germline): Pathogenic. Review status: criteria provided, multiple submitters, no conflicts (2 of 4 stars). 2 submissions from 2 submitters: Pathogenic (2). Last evaluated 2024-12-17.

Conditions:
CDKL5 disorder. Identifiers: MedGen CN296942, MONDO:0100039.

Submissions (2):

Centre for Population Genomics, CPG
Classification: Pathogenic for CDKL5 disorder. Last evaluated: 2024-12-17. Review status: criteria provided, single submitter. Criteria: McKnight et al. (Hum Mutat. 2022). Collection method: curation. Allele origin: germline. Inheritance: X-linked inheritance.
Comment: This variant has been collected from RettBASE and curated to current modified ACMG/AMP criteria. Based on the classification scheme defined by the ClinGen Rett/Angelman-like Expert Panel for Rett/AS-like Disorders Specifications to the ACMG/AMP Variant Interpretation Guidelines VCEP 3.0, this variant is classified as pathogenic. At least the following criteria are met: Predicted to result in loss of function, and LOF is a known mechanism of disease (PVS1). This variant has been identified as a de novo occurrence in at least 2 individuals with CDKL5 disorder, without confirmation of paternity and maternity (PM6_Strong, PMID: 26544041, PMID: 37193389). This variant is absent from gnomAD (PM2_Supporting).

GeneDx
Classification: Pathogenic. Last evaluated: 2024-01-19. Review status: criteria provided, single submitter. Criteria: GeneDx Variant Classification Process June 2021. Collection method: clinical testing. Allele origin: germline. Affected: yes.
Comment: Nonsense variant predicted to result in protein truncation or nonsense mediated decay in a gene for which loss of function is a known mechanism of disease; Not observed at significant frequency in large population cohorts (gnomAD); This variant is associated with the following publications: (PMID: 35153983, 28386848, 26544041)

NM_001323289.2(CDKL5):c.528G>A (p.Trp176Ter)

Gene: CDKL5 (cyclin dependent kinase like 5; plus strand). Cytogenetic location: Xp22.13.
Variant type: single nucleotide variant.
Coding change: c.528G>A on transcript NM_001323289.2 (MANE Select); coding-DNA position 528, G replaced by A.
Protein change: p.Trp176Ter; replaces tryptophan 176 with a stop codon.
Molecular consequence: nonsense.
Genome position (GRCh38, 1-based): chrX:18,584,327, G>A. VCF-style: chrX-18584327-G-A. GRCh37 (hg19) VCF-style: chrX-18602447-G-A.
Other names: NM_003159.3:c.528G>A; c.528G>A, p.Trp176Ter (NM_001037343.2, NM_003159.3); short protein forms W176*.
Identifiers: ClinVar variation 3340201 (VCV003340201.1).